The following is an entry in ClinVar:

NM_006230.4(POLD2):c.539A>G (p.Asp180Gly)

Gene: POLD2 (DNA polymerase delta 2, accessory subunit; minus strand). Cytogenetic location: 7p13.
Variant type: single nucleotide variant.
Coding change: c.539A>G on transcript NM_006230.4 (MANE Select); coding-DNA position 539, A replaced by G.
Protein change: p.Asp180Gly; replaces aspartic acid 180 with glycine.
Molecular consequence: missense variant.
Genome position (GRCh38, 1-based): chr7:44,117,175, T>C on the plus strand (A>G on the coding strand, the complement: POLD2 is on the minus strand). VCF-style: chr7-44117175-T-C. GRCh37 (hg19) VCF-style: chr7-44156774-T-C.
Other names: c.539A>G, p.Asp180Gly (NM_001127218.3, NM_001256879.2); short protein forms D180G.
Identifiers: ClinVar variation 4719291 (VCV004719291.1).

ClinVar aggregate classification (germline): Uncertain significance (1 of 4 stars; one submission).

gnomAD v4.1: 1 of 1,613,936 alleles (0.000062%); highest among the groups gnomAD compares: South Asian, 0.0011%; no homozygotes.

Submission:

Labcorp Genetics (formerly Invitae), Labcorp
Classification: Uncertain significance. Last evaluated: 2025-05-10. Review status: criteria provided, single submitter. Criteria: Invitae Variant Classification Sherloc (09022015). Collection method: clinical testing. Allele origin: germline.
Comment: This sequence change replaces aspartic acid, which is acidic and polar, with glycine, which is neutral and non-polar, at codon 215 of the POLD2 protein (p.Asp215Gly). This variant is present in population databases (no rsID available, gnomAD 0.003%). This variant has not been reported in the literature in individuals affected with POLD2-related conditions. An algorithm developed to predict the effect of missense changes on protein structure and function outputs the following: PolyPhen-2: "Not Available". The glycine amino acid residue is found in multiple mammalian species, which suggests that this missense change does not adversely affect protein function. In summary, the available evidence is currently insufficient to determine the role of this variant in disease. Therefore, it has been classified as a Variant of Uncertain Significance.